The following is an entry in ClinVar:

NM_001458.5(FLNC):c.6008T>C (p.Ile2003Thr)

Genes: FLNC-AS1 (FLNC antisense RNA 1; minus strand), FLNC (filamin C; plus strand). Cytogenetic location: 7q32.1.
Variant type: single nucleotide variant.
Coding change: c.6008T>C on transcript NM_001458.5 (MANE Select); coding-DNA position 6008, T replaced by C.
Protein change: p.Ile2003Thr; replaces isoleucine 2003 with threonine.
Molecular consequence: missense variant.
Genome position (GRCh38, 1-based): chr7:128,852,831, T>C. VCF-style: chr7-128852831-T-C. GRCh37 (hg19) VCF-style: chr7-128492885-T-C.
Other names: c.5909T>C, p.Ile1970Thr (NM_001127487.2); short protein forms I1970T, I2003T.
Identifiers: ClinVar variation 3748987 (VCV003748987.2).

ClinVar aggregate classification (germline): Uncertain significance (1 of 4 stars; one submission).

Conditions:
Hypertrophic cardiomyopathy 26. Also called: Cardiomyopathy, familial hypertrophic, 26. Identifiers: Orphanet 75249, MedGen C4310749, MONDO:0014883, OMIM 617047.
Myofibrillar myopathy 5. Also called: Filaminopathy (type); FILAMINOPATHY, AUTOSOMAL DOMINANT. Identifiers: Orphanet 171445, MedGen C1836050, MONDO:0012289, OMIM 609524.
Distal myopathy with posterior leg and anterior hand involvement. Also called: WILLIAMS DISTAL MYOPATHY. Identifiers: Orphanet 63273, MedGen C3279722, MONDO:0013550, OMIM 614065.

Submission:

Labcorp Genetics (formerly Invitae), Labcorp
Classification: Uncertain significance for Distal myopathy with posterior leg and anterior hand involvement; Myofibrillar myopathy 5; Hypertrophic cardiomyopathy 26. Last evaluated: 2024-02-23. Review status: criteria provided, single submitter. Criteria: Invitae Variant Classification Sherloc (09022015). Collection method: clinical testing. Allele origin: germline.
Comment: This sequence change replaces isoleucine, which is neutral and non-polar, with threonine, which is neutral and polar, at codon 2003 of the FLNC protein (p.Ile2003Thr). This variant is not present in population databases (gnomAD no frequency). This variant has not been reported in the literature in individuals affected with FLNC-related conditions. Advanced modeling of protein sequence and biophysical properties (such as structural, functional, and spatial information, amino acid conservation, physicochemical variation, residue mobility, and thermodynamic stability) has been performed at Invitae for this missense variant, however the output from this modeling did not meet the statistical confidence thresholds required to predict the impact of this variant on FLNC protein function. In summary, the available evidence is currently insufficient to determine the role of this variant in disease. Therefore, it has been classified as a Variant of Uncertain Significance.